The following is an entry in ClinVar:

ClinVar aggregate classification (germline): Uncertain significance. Review status: criteria provided, multiple submitters, no conflicts (2 of 4 stars). 3 submissions from 3 submitters: Uncertain significance (3). Last evaluated 2024-09-30.

Conditions:
Neurofibromatosis, type 1 (NF1). Also called: VON RECKLINGHAUSEN DISEASE; NEUROFIBROMATOSIS, TYPE I, SOMATIC; Peripheral type neurofibromatosis; Neurofibromatosis, type I. Identifiers: Orphanet 636, MedGen C0027831, MONDO:0018975, OMIM 162200. Disease mechanism: loss of function.
Hereditary cancer-predisposing syndrome. Also called: Hereditary neoplastic syndrome; Neoplastic Syndromes, Hereditary; Tumor predisposition; Hereditary Cancer Syndrome. Identifiers: Orphanet 140162, MedGen C0027672, MeSH D009386, MONDO:0015356.
Cardiovascular phenotype. Identifiers: MedGen CN230736.

Submissions (3):

Ambry Genetics
Classification: Uncertain significance for Cardiovascular phenotype; Hereditary cancer-predisposing syndrome. Last evaluated: 2024-09-30. Review status: criteria provided, single submitter. Criteria: Ambry Variant Classification Scheme 2023. Collection method: clinical testing. Allele origin: germline.
Comment: The p.G1160V variant (also known as c.3479G>T), located in coding exon 26 of the NF1 gene, results from a G to T substitution at nucleotide position 3479. The glycine at codon 1160 is replaced by valine, an amino acid with dissimilar properties. This amino acid position is conserved. In addition, this alteration is predicted to be deleterious by in silico analysis. Based on the available evidence, the clinical significance of this variant remains unclear.

Labcorp Genetics (formerly Invitae), Labcorp
Classification: Uncertain significance for Neurofibromatosis, type 1. Last evaluated: 2024-04-29. Review status: criteria provided, single submitter. Criteria: Invitae Variant Classification Sherloc (09022015). Collection method: clinical testing. Allele origin: germline.
Comment: This sequence change replaces glycine, which is neutral and non-polar, with valine, which is neutral and non-polar, at codon 1160 of the NF1 protein (p.Gly1160Val). This variant is not present in population databases (gnomAD no frequency). This variant has not been reported in the literature in individuals affected with NF1-related conditions. ClinVar contains an entry for this variant (Variation ID: 1934529). Advanced modeling of protein sequence and biophysical properties (such as structural, functional, and spatial information, amino acid conservation, physicochemical variation, residue mobility, and thermodynamic stability) performed at Invitae indicates that this missense variant is expected to disrupt NF1 protein function with a positive predictive value of 95%. In summary, the available evidence is currently insufficient to determine the role of this variant in disease. Therefore, it has been classified as a Variant of Uncertain Significance.

Juno Genomics, Hangzhou Juno Genomics, Inc
Classification: Uncertain significance for Neurofibromatosis, type 1. Review status: criteria provided, single submitter. Criteria: ACMG Guidelines, 2015. Collection method: clinical testing. Allele origin: germline.
Comment: Absent from controls (or at extremely low frequency if recessive) in Genome Aggregation Database.;Missense variant in a gene that has a low rate of benign missense variation.;Multiple lines of computational evidence support a deleterious effect on the gene or gene product.

NM_001042492.3(NF1):c.3479G>T (p.Gly1160Val)

Gene: NF1 (neurofibromin 1; plus strand). Cytogenetic location: 17q11.2.
Variant type: single nucleotide variant.
Coding change: c.3479G>T on transcript NM_001042492.3 (MANE Select); coding-DNA position 3479, G replaced by T.
Protein change: p.Gly1160Val; replaces glycine 1160 with valine.
Molecular consequence: missense variant.
Genome position (GRCh38, 1-based): chr17:31,232,864, G>T. VCF-style: chr17-31232864-G-T. GRCh37 (hg19) VCF-style: chr17-29559882-G-T.
Other names: c.3479G>T, p.Gly1160Val (NM_000267.4); short protein forms G1160V.
Identifiers: ClinVar variation 1934529 (VCV001934529.8), dbSNP rs2067138342, ClinGen allele CA398989426.
Genomic context (GRCh38, chr17:31,232,864, plus strand): 5'-CACTGAGGCACTGTACGGTCCTTGCAATGTCAAACTTACTCAATGCCAACGTAGACAGTG[G>T]TCTCATGCACTCCATAGGTGAGATCAAATGAAAGTTTCATATAGAAATACAAAACCTAGA-3'
Protein context (NP_001035957.1, residues 1150-1170): SNLLNANVDS[Gly1160Val]LMHSIGLGYH